The following is an entry in ClinVar:

NM_021098.3(CACNA1H):c.3084C>G (p.Asp1028Glu)

Gene: CACNA1H (calcium voltage-gated channel subunit alpha1 H; plus strand). Cytogenetic location: 16p13.3.
Variant type: single nucleotide variant.
Coding change: c.3084C>G on transcript NM_021098.3 (MANE Select); coding-DNA position 3084, C replaced by G.
Protein change: p.Asp1028Glu; replaces aspartic acid 1028 with glutamic acid.
Molecular consequence: missense variant.
Genome position (GRCh38, 1-based): chr16:1,207,790, C>G. VCF-style: chr16-1207790-C-G. GRCh37 (hg19) VCF-style: chr16-1257790-C-G.
Other names: c.3084C>G, p.Asp1028Glu (NM_001005407.2); short protein forms D1028E.
Identifiers: ClinVar variation 1394388 (VCV001394388.8), dbSNP rs1345041119, ClinGen allele CA394171136.

ClinVar aggregate classification (germline): Uncertain significance (1 of 4 stars; one submission).

Conditions:
Hyperaldosteronism, familial, type IV (HALD4). Also called: FH IV; ALDOSTERONISM, PRIMARY, AND HYPERTENSION. Identifiers: Orphanet 642671, MedGen C4310756, MONDO:0014875, OMIM 617027.
Idiopathic generalized epilepsy. Also called: Generalised epilepsy; EIG. Identifiers: MedGen C0270850, MONDO:0005579, OMIM 600669.

Submission:

Labcorp Genetics (formerly Invitae), Labcorp
Classification: Uncertain significance for Idiopathic generalized epilepsy; Hyperaldosteronism, familial, type IV. Last evaluated: 2022-06-20. Review status: criteria provided, single submitter. Criteria: Invitae Variant Classification Sherloc (09022015). Collection method: clinical testing. Allele origin: germline.
Comment: This sequence change replaces aspartic acid, which is acidic and polar, with glutamic acid, which is acidic and polar, at codon 1028 of the CACNA1H protein (p.Asp1028Glu). This variant is not present in population databases (gnomAD no frequency). In summary, the available evidence is currently insufficient to determine the role of this variant in disease. Therefore, it has been classified as a Variant of Uncertain Significance. Advanced modeling of protein sequence and biophysical properties (such as structural, functional, and spatial information, amino acid conservation, physicochemical variation, residue mobility, and thermodynamic stability) performed at Invitae indicates that this missense variant is not expected to disrupt CACNA1H protein function. This variant has not been reported in the literature in individuals affected with CACNA1H-related conditions.